The following is an entry in ClinVar:

ClinVar aggregate classification (germline): Uncertain significance. Review status: criteria provided, multiple submitters, no conflicts (2 of 4 stars). 2 submissions from 2 submitters: Uncertain significance (2). Last evaluated 2026-03-09.

Conditions:
Mitochondrial complex II deficiency, nuclear type 1. Also called: SUCCINATE CoQ REDUCTASE DEFICIENCY. Identifiers: Orphanet 3208, MedGen C5700310, MONDO:0100294, OMIM 252011.
Pheochromocytoma/paraganglioma syndrome 5. Also called: Paragangliomas 5; SDHA-Related Hereditary Paraganglioma-Pheochromocytoma Syndrome. Identifiers: Orphanet 29072, MedGen C3279992, MONDO:0013602, OMIM 614165.
Hereditary cancer-predisposing syndrome. Also called: Neoplastic Syndromes, Hereditary; Hereditary Cancer Syndrome; Hereditary neoplastic syndrome; Tumor predisposition. Identifiers: Orphanet 140162, MedGen C0027672, MeSH D009386, MONDO:0015356.

Submissions (2):

Ambry Genetics
Classification: Uncertain significance for Hereditary cancer-predisposing syndrome. Last evaluated: 2026-03-09. Review status: criteria provided, single submitter. Criteria: Ambry Variant Classification Scheme 2023. Collection method: clinical testing. Allele origin: germline.
Comment: The p.A21E variant (also known as c.62C>A), located in coding exon 1 of the SDHA gene, results from a C to A substitution at nucleotide position 62. The alanine at codon 21 is replaced by glutamic acid, an amino acid with dissimilar properties. This amino acid position is conserved. In addition, this alteration is predicted to be tolerated by in silico analysis. Based on the available evidence, the clinical significance of this variant remains unclear.

Labcorp Genetics (formerly Invitae), Labcorp
Classification: Uncertain significance for Pheochromocytoma/paraganglioma syndrome 5; Mitochondrial complex II deficiency, nuclear type 1. Last evaluated: 2020-12-23. Review status: criteria provided, single submitter. Criteria: Invitae Variant Classification Sherloc (09022015). Collection method: clinical testing. Allele origin: germline.
Comment: In summary, the available evidence is currently insufficient to determine the role of this variant in disease. Therefore, it has been classified as a Variant of Uncertain Significance. Algorithms developed to predict the effect of missense changes on protein structure and function (SIFT, PolyPhen-2, Align-GVGD) all suggest that this variant is likely to be tolerated, but these predictions have not been confirmed by published functional studies and their clinical significance is uncertain. This variant has not been reported in the literature in individuals with SDHA-related conditions. The frequency data for this variant in the population databases is considered unreliable, as metrics indicate insufficient coverage at this position in the ExAC database. This sequence change replaces alanine with glutamic acid at codon 21 of the SDHA protein (p.Ala21Glu). The alanine residue is weakly conserved and there is a moderate physicochemical difference between alanine and glutamic acid.

NM_004168.4(SDHA):c.62C>A (p.Ala21Glu)

Gene: SDHA (succinate dehydrogenase complex flavoprotein subunit A; plus strand). Cytogenetic location: 5p15.33.
Variant type: single nucleotide variant.
Coding change: c.62C>A on transcript NM_004168.4 (MANE Select); coding-DNA position 62, C replaced by A.
Protein change: p.Ala21Glu; replaces alanine 21 with glutamic acid.
Molecular consequence: missense variant.
Genome position (GRCh38, 1-based): chr5:218,417, C>A. VCF-style: chr5-218417-C-A. GRCh37 (hg19) VCF-style: chr5-218532-C-A.
Other names: c.62C>A, p.Ala21Glu (NM_001294332.2, NM_001330758.2); c.62C>A (NM_004168.2); short protein forms A21E.
Identifiers: ClinVar variation 1473325 (VCV001473325.9), dbSNP rs2126522821, ClinGen allele CA359007481.